The following is an entry in ClinVar:

ClinVar aggregate classification (germline): Uncertain significance (1 of 4 stars; one submission).

Conditions:
Congenital sideroblastic anemia-B-cell immunodeficiency-periodic fever-developmental delay syndrome. Also called: Sideroblastic anemia with B-cell immunodeficiency, periodic fevers, and developmental delay. Identifiers: Orphanet 369861, MedGen C4015172, MONDO:0014487, OMIM 616084.

Submission:

Labcorp Genetics (formerly Invitae), Labcorp
Classification: Uncertain significance for Congenital sideroblastic anemia-B-cell immunodeficiency-periodic fever-developmental delay syndrome. Last evaluated: 2019-11-18. Review status: criteria provided, single submitter. Criteria: Invitae Variant Classification Sherloc (09022015). Collection method: clinical testing. Allele origin: germline.
Comment: This sequence change replaces phenylalanine with cysteine at codon 204 of the TRNT1 protein (p.Phe204Cys). The phenylalanine residue is highly conserved and there is a large physicochemical difference between phenylalanine and cysteine. In summary, the available evidence is currently insufficient to determine the role of this variant in disease. Therefore, it has been classified as a Variant of Uncertain Significance. Algorithms developed to predict the effect of missense changes on protein structure and function (SIFT, PolyPhen-2, Align-GVGD) all suggest that this variant is likely to be disruptive, but these predictions have not been confirmed by published functional studies and their clinical significance is uncertain. This variant has not been reported in the literature in individuals with TRNT1-related conditions. This variant is not present in population databases (ExAC no frequency).

NM_182916.3(TRNT1):c.611T>G (p.Phe204Cys)

Gene: TRNT1 (tRNA nucleotidyl transferase 1; plus strand). Cytogenetic location: 3p26.2.
Variant type: single nucleotide variant.
Coding change: c.611T>G on transcript NM_182916.3 (MANE Select); coding-DNA position 611, T replaced by G.
Protein change: p.Phe204Cys; replaces phenylalanine 204 with cysteine.
Molecular consequence: missense variant. On other transcripts: non-coding transcript variant (6).
Genome position (GRCh38, 1-based): chr3:3,146,432, T>G. VCF-style: chr3-3146432-T-G. GRCh37 (hg19) VCF-style: chr3-3188116-T-G.
Other names: c.611T>G, p.Phe204Cys (NM_001302946.2, NM_001367321.1, NM_001367322.1 and 1 more transcripts); short protein forms F204C.
Identifiers: ClinVar variation 847642 (VCV000847642.6), dbSNP rs1706023542, ClinGen allele CA351446728.